The following is an entry in ClinVar:

NM_176824.3(BBS7):c.1970A>G (p.Gln657Arg)

Gene: BBS7 (Bardet-Biedl syndrome 7; minus strand). Cytogenetic location: 4q27.
Variant type: single nucleotide variant.
Coding change: c.1970A>G on transcript NM_176824.3 (MANE Select); coding-DNA position 1970, A replaced by G.
Protein change: p.Gln657Arg; replaces glutamine 657 with arginine.
Molecular consequence: missense variant.
Genome position (GRCh38, 1-based): chr4:121,828,190, T>C on the plus strand (A>G on the coding strand, the complement: BBS7 is on the minus strand). VCF-style: chr4-121828190-T-C. GRCh37 (hg19) VCF-style: chr4-122749345-T-C.
Other names: c.1970A>G (NM_176824.2); c.1970A>G, p.Gln657Arg (NM_018190.4); short protein forms Q657R.
Identifiers: ClinVar variation 1519886 (VCV001519886.9), dbSNP rs1724997637, ClinGen allele CA358054295.

ClinVar aggregate classification (germline): Uncertain significance. Review status: criteria provided, multiple submitters, no conflicts (2 of 4 stars). 2 submissions from 2 submitters: Uncertain significance (2). Last evaluated 2024-04-29.

Conditions:
Bardet-Biedl syndrome (BBS). Identifiers: Orphanet 110, MedGen C0752166, MONDO:0015229.
Inborn genetic diseases. Identifiers: MedGen C0950123, MeSH D030342.

Allele frequency attached by ClinVar (database versions not stated): TOPMed below 0.00001.

Submissions (2):

Ambry Genetics
Classification: Uncertain significance for Inborn genetic diseases. Last evaluated: 2024-04-29. Review status: criteria provided, single submitter. Criteria: Ambry Variant Classification Scheme 2023. Collection method: clinical testing. Allele origin: germline.

Labcorp Genetics (formerly Invitae), Labcorp
Classification: Uncertain significance for Bardet-Biedl syndrome. Last evaluated: 2022-02-24. Review status: criteria provided, single submitter. Criteria: Invitae Variant Classification Sherloc (09022015). Collection method: clinical testing. Allele origin: germline.
Comment: In summary, the available evidence is currently insufficient to determine the role of this variant in disease. Therefore, it has been classified as a Variant of Uncertain Significance. Algorithms developed to predict the effect of missense changes on protein structure and function (SIFT, PolyPhen-2, Align-GVGD) all suggest that this variant is likely to be tolerated. This variant has not been reported in the literature in individuals affected with BBS7-related conditions. This variant is not present in population databases (gnomAD no frequency). This sequence change replaces glutamine, which is neutral and polar, with arginine, which is basic and polar, at codon 657 of the BBS7 protein (p.Gln657Arg).